The following is an entry in ClinVar:

NM_001035.3(RYR2):c.2267G>T (p.Ser756Ile)

Gene: RYR2 (ryanodine receptor 2; plus strand). Cytogenetic location: 1q43.
Variant type: single nucleotide variant.
Coding change: c.2267G>T on transcript NM_001035.3 (MANE Select); coding-DNA position 2267, G replaced by T.
Protein change: p.Ser756Ile; replaces serine 756 with isoleucine.
Molecular consequence: missense variant.
Genome position (GRCh38, 1-based): chr1:237,500,774, G>T. VCF-style: chr1-237500774-G-T. GRCh37 (hg19) VCF-style: chr1-237664074-G-T.
Other names: short protein forms S756I.
Identifiers: ClinVar variation 3791631 (VCV003791631.1).

ClinVar aggregate classification (germline): Uncertain significance (1 of 4 stars; one submission).

Conditions:
Cardiovascular phenotype. Identifiers: MedGen CN230736.

Submission:

Ambry Genetics
Classification: Uncertain significance for Cardiovascular phenotype. Last evaluated: 2025-03-06. Review status: criteria provided, single submitter. Criteria: Ambry Variant Classification Scheme 2023. Collection method: clinical testing. Allele origin: germline.
Comment: The p.S756I variant (also known as c.2267G>T), located in coding exon 21 of the RYR2 gene, results from a G to T substitution at nucleotide position 2267. The serine at codon 756 is replaced by isoleucine, an amino acid with dissimilar properties. This amino acid position is highly conserved in available vertebrate species. In addition, this alteration is predicted to be deleterious by in silico analysis. Based on the available evidence, the clinical significance of this variant remains unclear.